The following is an entry in ClinVar:

ClinVar aggregate classification (germline): Uncertain significance (1 of 4 stars; one submission).

Conditions:
Legius syndrome. Identifiers: Orphanet 137605, MedGen C1969623, MONDO:0012669, OMIM 611431. Disease mechanism: loss of function.

Submission:

Labcorp Genetics (formerly Invitae), Labcorp
Classification: Uncertain significance for Legius syndrome. Last evaluated: 2023-08-27. Review status: criteria provided, single submitter. Criteria: Invitae Variant Classification Sherloc (09022015). Collection method: clinical testing. Allele origin: germline.
Comment: This sequence change replaces methionine, which is neutral and non-polar, with isoleucine, which is neutral and non-polar, at codon 425 of the SPRED1 protein (p.Met425Ile). In summary, the available evidence is currently insufficient to determine the role of this variant in disease. Therefore, it has been classified as a Variant of Uncertain Significance. Advanced modeling of protein sequence and biophysical properties (such as structural, functional, and spatial information, amino acid conservation, physicochemical variation, residue mobility, and thermodynamic stability) performed at Invitae indicates that this missense variant is not expected to disrupt SPRED1 protein function. This variant has not been reported in the literature in individuals affected with SPRED1-related conditions. This variant is not present in population databases (gnomAD no frequency).

NM_152594.3(SPRED1):c.1275G>A (p.Met425Ile)

Gene: SPRED1 (sprouty related EVH1 domain containing 1; plus strand). Cytogenetic location: 15q14.
Variant type: single nucleotide variant.
Coding change: c.1275G>A on transcript NM_152594.3 (MANE Select); coding-DNA position 1275, G replaced by A.
Protein change: p.Met425Ile; replaces methionine 425 with isoleucine.
Molecular consequence: missense variant.
Genome position (GRCh38, 1-based): chr15:38,351,604, G>A. VCF-style: chr15-38351604-G-A. GRCh37 (hg19) VCF-style: chr15-38643805-G-A.
Other names: short protein forms M425I.
Identifiers: ClinVar variation 2907155 (VCV002907155.3), dbSNP rs2542744547, ClinGen allele CA391934743.